The following is an entry in ClinVar:

ClinVar aggregate classification (germline): Conflicting classifications of pathogenicity. Review status: criteria provided, conflicting classifications (1 of 4 stars). 2 submissions from 2 submitters: Uncertain significance (1); Likely benign (1). Last evaluated 2024-09-20.

Conditions:
GAPO syndrome. Identifiers: Orphanet 2067, MedGen C0406723, MONDO:0009263, OMIM 230740.
Inborn genetic diseases. Identifiers: MedGen C0950123, MeSH D030342.

Allele frequency attached by ClinVar (database versions not stated): gnomAD 0.00001; ExAC 0.00002; TOPMed 0.00002.
gnomAD v4.1: 6 of 1,613,768 alleles (0.00037%); highest among the groups gnomAD compares: Admixed American, 0.01%; no homozygotes.

Submissions (2):

3billion
Classification: Likely benign for GAPO syndrome. Last evaluated: 2024-09-20. Review status: criteria provided, single submitter. Criteria: ACMG Guidelines, 2015. Collection method: clinical testing. Allele origin: germline. Affected: no.
Comment: The homozygous variant was found in patients diagnosed with another variant in a different gene, with no symptoms related to the gene containing the homozygous variant.

Ambry Genetics
Classification: Uncertain significance for Inborn genetic diseases. Last evaluated: 2022-01-12. Review status: criteria provided, single submitter. Criteria: Ambry Variant Classification Scheme 2023. Collection method: clinical testing. Allele origin: germline.
Comment: The c.561+6G>A intronic alteration consists of a G to A substitution 6 nucleotides after exon 7 of the ANTXR1 gene. Based on insufficient or conflicting evidence, the clinical significance of this alteration remains unclear.

NM_032208.3(ANTXR1):c.561+6G>A

Gene: ANTXR1 (ANTXR cell adhesion molecule 1; plus strand). Cytogenetic location: 2p13.3.
Variant type: single nucleotide variant.
Coding change: c.561+6G>A on transcript NM_032208.3 (MANE Select); 6 bases into the intron after coding-DNA position 561, G replaced by A.
Molecular consequence: intron variant.
Genome position (GRCh38, 1-based): chr2:69,075,664, G>A. VCF-style: chr2-69075664-G-A. GRCh37 (hg19) VCF-style: chr2-69302796-G-A.
Other names: c.561+6G>A (NM_053034.2, NM_018153.3).
Identifiers: ClinVar variation 2241375 (VCV002241375.3), dbSNP rs776436815, ClinGen allele CA1692921.